The following is an entry in ClinVar:

NM_001256071.3(RNF213):c.10034C>T (p.Thr3345Ile)

Gene: RNF213 (ring finger protein 213; plus strand). Cytogenetic location: 17q25.3.
Variant type: single nucleotide variant.
Coding change: c.10034C>T on transcript NM_001256071.3 (MANE Select); coding-DNA position 10034, C replaced by T.
Protein change: p.Thr3345Ile; replaces threonine 3345 with isoleucine.
Molecular consequence: missense variant.
Genome position (GRCh38, 1-based): chr17:80,349,852, C>T. VCF-style: chr17-80349852-C-T. GRCh37 (hg19) VCF-style: chr17-78323652-C-T.
Other names: c.10181C>T, p.Thr3394Ile (NM_001410195.1, NM_020914.5); short protein forms T3345I, T3394I.
Identifiers: ClinVar variation 2575828 (VCV002575828.1), dbSNP rs2078440291, ClinGen allele CA401404262.

ClinVar aggregate classification (germline): Uncertain significance (1 of 4 stars; one submission).

Allele frequency attached by ClinVar (database versions not stated): TOPMed below 0.00001; gnomAD exomes 0.00001.
gnomAD v4.1: 5 of 1,614,164 alleles (0.00031%); highest among the groups gnomAD compares: South Asian, 0.0011%; no homozygotes.

Submission:

GeneDx
Classification: Uncertain significance. Last evaluated: 2023-02-09. Review status: criteria provided, single submitter. Criteria: GeneDx Variant Classification Process June 2021. Collection method: clinical testing. Allele origin: germline. Affected: yes.
Comment: Not observed at significant frequency in large population cohorts (gnomAD); In silico analysis supports that this missense variant has a deleterious effect on protein structure/function; Has not been previously published as pathogenic or benign to our knowledge